The following is an entry in ClinVar:

NM_000435.3(NOTCH3):c.2632G>A (p.Gly878Ser)

Gene: NOTCH3 (notch receptor 3; minus strand). Cytogenetic location: 19p13.12.
Variant type: single nucleotide variant.
Coding change: c.2632G>A on transcript NM_000435.3 (MANE Select); coding-DNA position 2632, G replaced by A.
Protein change: p.Gly878Ser; replaces glycine 878 with serine.
Molecular consequence: missense variant.
Genome position (GRCh38, 1-based): chr19:15,181,736, C>T on the plus strand (G>A on the coding strand, the complement: NOTCH3 is on the minus strand). VCF-style: chr19-15181736-C-T. GRCh37 (hg19) VCF-style: chr19-15292547-C-T.
Other names: p.Gly878Ser; short protein forms G878S.
Identifiers: ClinVar variation 3380594 (VCV003380594.1).

ClinVar aggregate classification (germline): Uncertain significance (1 of 4 stars; one submission).

gnomAD v4.1: 19 of 1,574,546 alleles (0.0012%); highest among the groups gnomAD compares: Non-Finnish European, 0.0016%; no homozygotes.

Submission:

Mayo Clinic Laboratories, Mayo Clinic
Classification: Uncertain significance. Last evaluated: 2024-02-27. Review status: criteria provided, single submitter. Criteria: ACMG Guidelines, 2015. Collection method: clinical testing. Allele origin: germline. Observed: 1 variant allele.
Comment: BS2, BP1, PP3